The following is an entry in ClinVar:

ClinVar aggregate classification (germline): Uncertain significance (1 of 4 stars; one submission).

Conditions:
Long QT syndrome (LQTS). Identifiers: MedGen C0023976, MeSH D008133, MONDO:0002442. Disease mechanism: loss of function. Inheritance: Various modes of inheritance.

Allele frequency attached by ClinVar (database versions not stated): TOPMed below 0.00001; 1000 Genomes Project 30x 0.00016; 1000 Genomes Project 0.00020.
gnomAD v4.1: 6 of 1,613,888 alleles (0.00037%); highest among the groups gnomAD compares: South Asian, 0.0055%; no homozygotes.

Submission:

All of Us Research Program, National Institutes of Health
Classification: Uncertain significance for Long QT syndrome. Last evaluated: 2023-12-13. Review status: criteria provided, single submitter. Criteria: ACMG Guidelines, 2015. Collection method: clinical testing. Allele origin: germline. Inheritance: Autosomal dominant inheritance. Observed: 1 variant allele, 1 heterozygote.
Comment: This missense variant replaces aspartic acid with histidine at codon 388 of the KCNQ1 protein. Computational prediction is inconclusive regarding the impact of this variant on protein structure and function (internally defined REVEL score threshold 0.5 < inconclusive < 0.7, PMID: 27666373). This variant is found within a highly conserved C-terminal region (a.a. 349-391). Rare non-truncating variants in this region have been shown to be significantly overrepresented in individuals with long QT syndrome (PMID: 32893267). To our knowledge, functional studies have not been reported for this variant. This variant has not been reported in individuals affected with KCNQ1-related disorders in the literature. This variant has been identified in 3/251322 chromosomes in the general population by the Genome Aggregation Database (gnomAD). The available evidence is insufficient to determine the role of this variant in disease conclusively. Therefore, this variant is classified as a Variant of Uncertain Significance.

This study involves interpretation of variants in research participants for the purpose of population health screening. Participant phenotype was not available at the time of variant classification. Additional details can be found in publication PMID: 35346344, PMCID: PMC8962531

Literature cited by the submitters: PubMed 32893267.

NM_000218.3(KCNQ1):c.1162G>C (p.Asp388His)

Gene: KCNQ1 (potassium voltage-gated channel subfamily Q member 1; plus strand). Cytogenetic location: 11p15.5.
Variant type: single nucleotide variant.
Coding change: c.1162G>C on transcript NM_000218.3 (MANE Select); coding-DNA position 1162, G replaced by C.
Protein change: p.Asp388His; replaces aspartic acid 388 with histidine.
Molecular consequence: missense variant.
Genome position (GRCh38, 1-based): chr11:2,587,603, G>C. VCF-style: chr11-2587603-G-C. GRCh37 (hg19) VCF-style: chr11-2608833-G-C.
Other names: c.1066G>C, p.Asp356His (NM_001406836.1); c.892G>C, p.Asp298His (NM_001406837.1); c.622G>C, p.Asp208His (NM_001406838.1); c.781G>C, p.Asp261His (NM_181798.2); short protein forms D208H, D261H, D298H, D356H, D388H.
Identifiers: ClinVar variation 3075023 (VCV003075023.1), dbSNP rs537637760, ClinGen allele CA027518.